The following is an entry in ClinVar:

NM_000618.5(IGF1):c.*261A>T

Genes: IGF1 (insulin like growth factor 1; minus strand), LINC02456 (long intergenic non-protein coding RNA 2456; plus strand). Cytogenetic location: 12q23.2.
Variant type: single nucleotide variant.
Coding change: c.*261A>T on transcript NM_000618.5 (MANE Select); 261 bases downstream of the stop codon, A replaced by T.
Molecular consequence: 3 prime UTR variant.
Genome position (GRCh38, 1-based): chr12:102,402,246, T>A on the plus strand (A>T on the coding strand, the complement: IGF1 is on the minus strand). VCF-style: chr12-102402246-T-A. GRCh37 (hg19) VCF-style: chr12-102796024-T-A.
Other names: c.*295A>T (NM_001111283.3); c.*261A>T (NM_001111284.2).
Identifiers: ClinVar variation 306906 (VCV000306906.6), dbSNP rs3032449, ClinGen allele CA10636247.

ClinVar aggregate classification (germline): Benign. Review status: criteria provided, multiple submitters, no conflicts (2 of 4 stars). 2 submissions from 2 submitters: Benign (2). Last evaluated 2018-01-12.

Conditions:
Growth delay due to insulin-like growth factor type 1 deficiency (IGF1D). Also called: GROWTH RETARDATION WITH SENSORINEURAL DEAFNESS AND MENTAL RETARDATION; IGF1 DEFICIENCY. Identifiers: Orphanet 73272, MedGen C1837475, MONDO:0012110, OMIM 608747.

Allele frequency attached by ClinVar (database versions not stated): gnomAD exomes 0.06097; 1000 Genomes Project 0.15875; TOPMed 0.17058; gnomAD 0.17269 and 0.17398.
gnomAD v4.1: 29,623 of 228,652 alleles (13%); highest among the groups gnomAD compares: East Asian, 18%; 2,003 homozygotes.

Submissions (2):

Illumina Laboratory Services, Illumina
Classification: Benign for Growth delay due to insulin-like growth factor type 1 deficiency. Last evaluated: 2018-01-12. Review status: criteria provided, single submitter. Criteria: ICSL Variant Classification Criteria 13 December 2019. Collection method: clinical testing. Allele origin: germline.
Comment: This variant was observed in the ICSL laboratory as part of a predisposition screen in an ostensibly healthy population. It had not been previously curated by ICSL or reported in the Human Gene Mutation Database (HGMD: prior to June 1st, 2018), and was therefore a candidate for classification through an automated scoring system. Utilizing variant allele frequency, disease prevalence and penetrance estimates, and inheritance mode, an automated score was calculated to assess if this variant is too frequent to cause the disease. Based on the score and internal cut-off values, a variant classified as benign is not then subjected to further curation. The score for this variant resulted in a classification of benign for this disease.

Breakthrough Genomics
Classification: Benign. Review status: criteria provided, single submitter. Criteria: ACMG Guidelines, 2015. Collection method: not provided. Allele origin: germline. Inheritance: Autosomal recessive inheritance. Affected: yes.